The following is an entry in ClinVar:

ClinVar aggregate classification (germline): Uncertain significance. Review status: criteria provided, multiple submitters, no conflicts (2 of 4 stars). 2 submissions from 2 submitters: Uncertain significance (2). Last evaluated 2023-06-20.

Conditions:
Early-infantile DEE. Also called: Ohtahara syndrome; Early infantile epileptic encephalopathy; Early infantile epileptic encephalopathy with suppression bursts. Identifiers: Orphanet 1934, MedGen C0393706, MONDO:0800491.

Allele frequency attached by ClinVar (database versions not stated): gnomAD exomes below 0.00001; TOPMed below 0.00001; ExAC 0.00001; gnomAD 0.00001.
gnomAD v4.1: 2 of 1,613,994 alleles (0.00012%); highest among the groups gnomAD compares: Non-Finnish European, 0.00017%; no homozygotes.

Submissions (2):

Labcorp Genetics (formerly Invitae), Labcorp
Classification: Uncertain significance for Early-infantile DEE. Last evaluated: 2023-06-20. Review status: criteria provided, single submitter. Criteria: Invitae Variant Classification Sherloc (09022015). Collection method: clinical testing. Allele origin: germline.
Comment: Advanced modeling of protein sequence and biophysical properties (such as structural, functional, and spatial information, amino acid conservation, physicochemical variation, residue mobility, and thermodynamic stability) performed at Invitae indicates that this missense variant is not expected to disrupt SCN1A protein function. In summary, the available evidence is currently insufficient to determine the role of this variant in disease. Therefore, it has been classified as a Variant of Uncertain Significance. ClinVar contains an entry for this variant (Variation ID: 2188013). This variant has not been reported in the literature in individuals affected with SCN1A-related conditions. This variant is present in population databases (rs757361260, gnomAD 0.0009%). This sequence change replaces isoleucine, which is neutral and non-polar, with threonine, which is neutral and polar, at codon 672 of the SCN1A protein (p.Ile672Thr).

Blueprint Genetics
Classification: Uncertain significance. Last evaluated: 2021-03-08. Review status: criteria provided, single submitter. Criteria: ACMG Guidelines, 2015. Collection method: clinical testing. Allele origin: germline.

NM_001165963.4(SCN1A):c.2015T>C (p.Ile672Thr)

Gene: SCN1A (sodium voltage-gated channel alpha subunit 1; minus strand). Cytogenetic location: 2q24.3.
Variant type: single nucleotide variant.
Coding change: c.2015T>C on transcript NM_001165963.4 (MANE Select); coding-DNA position 2015, T replaced by C.
Protein change: p.Ile672Thr; replaces isoleucine 672 with threonine.
Molecular consequence: missense variant. On other transcripts: intron variant (12).
Genome position (GRCh38, 1-based): chr2:166,043,697, A>G on the plus strand (T>C on the coding strand, the complement: SCN1A is on the minus strand). VCF-style: chr2-166043697-A-G. GRCh37 (hg19) VCF-style: chr2-166900207-A-G.
Other names: c.2015T>C, p.Ile672Thr (NM_001202435.3, NM_001353948.2); c.2010+5T>C (NM_001353949.2, NM_001353950.2, NM_001353951.2 and 2 more transcripts); c.1959+56T>C (NM_001353958.2, NM_001353957.2, NM_001165964.3); c.2007+5T>C (NM_001353955.2, NM_001353954.2); c.1956+56T>C (NM_001353960.2); c.-416+5T>C (NM_001353961.2); short protein forms I672T.
Identifiers: ClinVar variation 2188013 (VCV002188013.5), dbSNP rs757361260, ClinGen allele CA1943220.